The following is an entry in ClinVar:

ClinVar aggregate classification (germline): Likely pathogenic (0 of 4 stars; one submission).

Conditions:
Spinocerebellar ataxia type 42. Identifiers: Orphanet 458803, MedGen C4225205, MONDO:0014776, OMIM 616795.

Submission:

Solve-RD Consortium
Classification: Likely pathogenic for Spinocerebellar ataxia type 42. Last evaluated: 2022-06-01. Review status: no assertion criteria provided. Collection method: provider interpretation. Allele origin: de novo. Affected: yes.
Comment: Variant confirmed as disease-causing by referring clinical team

Variant identified during reanalysis of unsolved cases by the Solve-RD project. The Solve-RD project has received funding from the European Union’s Horizon 2020 research and innovation programme under grant agreement No 779257.

Literature cited by the submitters: PubMed 39825153.

NM_018896.5(CACNA1G):c.4591A>T (p.Met1531Leu)

Gene: CACNA1G (calcium voltage-gated channel subunit alpha1 G; plus strand). Cytogenetic location: 17q21.33.
Variant type: single nucleotide variant.
Coding change: c.4591A>T on transcript NM_018896.5 (MANE Select); coding-DNA position 4591, A replaced by T.
Protein change: p.Met1531Leu; replaces methionine 1531 with leucine.
Molecular consequence: missense variant. On other transcripts: non-coding transcript variant (5), intron variant (7).
Genome position (GRCh38, 1-based): chr17:50,607,905, A>T. VCF-style: chr17-50607905-A-T. GRCh37 (hg19) VCF-style: chr17-48685266-A-T.
Other names: c.4591A>T, p.Met1531Leu (NM_001256324.2, NM_001256325.2, NM_001256327.2 and 9 more transcripts); c.4516A>T, p.Met1506Leu (NM_001256360.2); c.4522A>T, p.Met1508Leu (NM_198376.3, NM_198379.3, NM_198382.3 and 4 more transcripts); c.4513-3A>T (NM_001256361.2, NM_001256359.2); c.4513-24A>T (NM_001256326.2, NM_001256330.2, NM_001256329.2 and 1 more transcripts); c.4444-24A>T (NM_001256332.2); short protein forms M1506L, M1508L, M1531L.
Identifiers: ClinVar variation 3256767 (VCV003256767.1).